The following is an entry in ClinVar:

NM_001018115.3(FANCD2):c.3751C>G (p.Pro1251Ala)

Genes: FANCD2 (FA complementation group D2; plus strand), FANCD2OS (FANCD2 opposite strand; minus strand). Cytogenetic location: 3p25.3.
Variant type: single nucleotide variant.
Coding change: c.3751C>G on transcript NM_001018115.3 (MANE Select); coding-DNA position 3751, C replaced by G.
Protein change: p.Pro1251Ala; replaces proline 1251 with alanine.
Molecular consequence: missense variant. On other transcripts: intron variant (1).
Genome position (GRCh38, 1-based): chr3:10,090,359, C>G. VCF-style: chr3-10090359-C-G. GRCh37 (hg19) VCF-style: chr3-10132043-C-G.
Other names: c.3751C>G, p.Pro1251Ala (NM_001319984.2, NM_001374254.1, NM_033084.6); c.3640C>G, p.Pro1214Ala (NM_001374253.1); c.*44-8828G>C (NM_173472.2); short protein forms P1214A, P1251A.
Identifiers: ClinVar variation 1005230 (VCV001005230.7), dbSNP rs568515612, ClinGen allele CA2250497.

ClinVar aggregate classification (germline): Conflicting classifications of pathogenicity. Review status: criteria provided, conflicting classifications (1 of 4 stars). 2 submissions from 2 submitters: Uncertain significance (1); Likely benign (1). Last evaluated 2024-01-05.

Conditions:
Fanconi anemia (FA). Also called: Fanconi's anemia. Identifiers: Orphanet 84, MedGen C0015625, MeSH D005199, MONDO:0019391.
Inborn genetic diseases. Identifiers: MedGen C0950123, MeSH D030342.

Allele frequency attached by ClinVar (database versions not stated): gnomAD 0.00001; TOPMed 0.00003.
gnomAD v4.1: 10 of 1,611,338 alleles (0.00062%); highest among the groups gnomAD compares: Admixed American, 0.0084%; no homozygotes.

Submissions (2):

Labcorp Genetics (formerly Invitae), Labcorp
Classification: Uncertain significance for Fanconi anemia. Last evaluated: 2024-01-05. Review status: criteria provided, single submitter. Criteria: Invitae Variant Classification Sherloc (09022015). Collection method: clinical testing. Allele origin: germline.
Comment: This sequence change replaces proline, which is neutral and non-polar, with alanine, which is neutral and non-polar, at codon 1251 of the FANCD2 protein (p.Pro1251Ala). This variant is present in population databases (rs568515612, gnomAD 0.01%). This variant has not been reported in the literature in individuals affected with FANCD2-related conditions. ClinVar contains an entry for this variant (Variation ID: 1005230). Advanced modeling of protein sequence and biophysical properties (such as structural, functional, and spatial information, amino acid conservation, physicochemical variation, residue mobility, and thermodynamic stability) performed at Invitae indicates that this missense variant is not expected to disrupt FANCD2 protein function with a negative predictive value of 80%. In summary, the available evidence is currently insufficient to determine the role of this variant in disease. Therefore, it has been classified as a Variant of Uncertain Significance.

Ambry Genetics
Classification: Likely benign for Inborn genetic diseases. Last evaluated: 2021-09-16. Review status: criteria provided, single submitter. Criteria: Ambry Variant Classification Scheme 2023. Collection method: clinical testing. Allele origin: germline.